The following is an entry in ClinVar:

NM_001353345.2(SETD1B):c.3964C>T (p.Gln1322Ter)

Gene: SETD1B (SET domain containing 1B, histone lysine methyltransferase; plus strand). Cytogenetic location: 12q24.31.
Variant type: single nucleotide variant.
Coding change: c.3964C>T on transcript NM_001353345.2 (MANE Select); coding-DNA position 3964, C replaced by T.
Protein change: p.Gln1322Ter; replaces glutamine 1322 with a stop codon.
Molecular consequence: nonsense.
Genome position (GRCh38, 1-based): chr12:121,822,543, C>T. VCF-style: chr12-121822543-C-T. GRCh37 (hg19) VCF-style: chr12-122260449-C-T.
Other names: Q1322*; NM_015048.1:c.3964C>T.
Identifiers: ClinVar variation 977481 (VCV000977481.6), dbSNP rs1876610129, ClinGen allele CA386998058.

ClinVar aggregate classification (germline): Pathogenic. Review status: criteria provided, single submitter (1 of 4 stars). 2 submissions from 2 submitters: Pathogenic (1). 1 of the submissions does not count toward it. Last evaluated 2021-04-13.

Conditions:
Intellectual developmental disorder with seizures and language delay (IDDSELD). Identifiers: MedGen C5436574, MONDO:0033559, OMIM 619000.

Submissions (2):

SIB Swiss Institute of Bioinformatics
Classification: Pathogenic for Intellectual developmental disorder with seizures and language delay. Last evaluated: 2021-04-13. Review status: criteria provided, single submitter. Criteria: ACMG Guidelines, 2015. Collection method: curation. Allele origin: unknown.
Comment: This variant is interpreted as pathogenic for Intellectual developmental disorder with seizures and language delay, autosomal dominant. The following ACMG Tag(s) were applied: Absent from controls (or at extremely low frequency if recessive) in Exome Sequencing Project, 1000 Genomes Project, or Exome Aggregation Consortium (PM2); De novo (paternity and maternity confirmed) (PS2); Predicted nullvariant in a gene where LOF is a known mechanism of disease (PVS1 downgraded to strong).

OMIM
Classification: Pathogenic for INTELLECTUAL DEVELOPMENTAL DISORDER WITH SEIZURES AND LANGUAGE DELAY. Last evaluated: 2023-01-23. Review status: no assertion criteria provided. Collection method: literature only. Allele origin: germline. Not counted in ClinVar's aggregate classification.

Literature cited by the submitters: PubMed 32546566 (cited by SIB Swiss Institute of Bioinformatics and OMIM).